The following is an entry in ClinVar:

ClinVar aggregate classification (germline): Uncertain significance (1 of 4 stars; one submission).

Conditions:
Perlman syndrome (PRLMNS). Identifiers: Orphanet 2849, MedGen C0796113, MONDO:0009965, OMIM 267000.

gnomAD v4.1: 1 of 1,610,820 alleles (0.000062%); highest among the groups gnomAD compares: East Asian, 0.0022%; no homozygotes.

Submission:

Labcorp Genetics (formerly Invitae), Labcorp
Classification: Uncertain significance for Perlman syndrome. Last evaluated: 2021-10-14. Review status: criteria provided, single submitter. Criteria: Invitae Variant Classification Sherloc (09022015). Collection method: clinical testing. Allele origin: germline.
Comment: This sequence change replaces phenylalanine with leucine at codon 782 of the DIS3L2 protein (p.Phe782Leu). The phenylalanine residue is moderately conserved and there is a small physicochemical difference between phenylalanine and leucine. This variant is not present in population databases (ExAC no frequency). This variant has not been reported in the literature in individuals affected with DIS3L2-related conditions. Algorithms developed to predict the effect of missense changes on protein structure and function output the following: SIFT: "Tolerated"; PolyPhen-2: "Benign"; Align-GVGD: "Class C0". The leucine amino acid residue is found in multiple mammalian species, which suggests that this missense change does not adversely affect protein function. In summary, the available evidence is currently insufficient to determine the role of this variant in disease. Therefore, it has been classified as a Variant of Uncertain Significance.

NM_152383.5(DIS3L2):c.2346C>A (p.Phe782Leu)

Gene: DIS3L2 (DIS3 like 3'-5' exoribonuclease 2; plus strand). Cytogenetic location: 2q37.1.
Variant type: single nucleotide variant.
Coding change: c.2346C>A on transcript NM_152383.5 (MANE Select); coding-DNA position 2346, C replaced by A.
Protein change: p.Phe782Leu; replaces phenylalanine 782 with leucine.
Molecular consequence: missense variant. On other transcripts: non-coding transcript variant (2), intron variant (1).
Genome position (GRCh38, 1-based): chr2:232,334,687, C>A. VCF-style: chr2-232334687-C-A. GRCh37 (hg19) VCF-style: chr2-233199397-C-A.
Other names: c.1582-8658C>A (NM_001257281.2); short protein forms F782L.
Identifiers: ClinVar variation 1525472 (VCV001525472.6), dbSNP rs375456340, ClinGen allele CA350978026.